The following is an entry in ClinVar:

NM_017636.4(TRPM4):c.2267C>A (p.Pro756Gln)

Gene: TRPM4 (transient receptor potential cation channel subfamily M member 4; plus strand). Cytogenetic location: 19q13.33.
Variant type: single nucleotide variant.
Coding change: c.2267C>A on transcript NM_017636.4 (MANE Select); coding-DNA position 2267, C replaced by A.
Protein change: p.Pro756Gln; replaces proline 756 with glutamine.
Molecular consequence: missense variant. On other transcripts: intron variant (1).
Genome position (GRCh38, 1-based): chr19:49,196,496, C>A. VCF-style: chr19-49196496-C-A. GRCh37 (hg19) VCF-style: chr19-49699753-C-A.
Other names: c.1922C>A, p.Pro641Gln (NM_001321281.2); c.659C>A, p.Pro220Gln (NM_001321282.2); c.1745C>A, p.Pro582Gln (NM_001321283.2); c.1205C>A, p.Pro402Gln (NM_001321285.2); c.2211-3804C>A (NM_001195227.2); short protein forms P582Q, P756Q, P641Q, P220Q, P402Q.
Identifiers: ClinVar variation 1935180 (VCV001935180.5), dbSNP rs1177884755, ClinGen allele CA406808624.

ClinVar aggregate classification (germline): Uncertain significance (1 of 4 stars; one submission).

Conditions:
Progressive familial heart block type IB (PFHB1B). Identifiers: Orphanet 871, MedGen C1970298, MONDO:0011474, OMIM 604559.

gnomAD v4.1: 6 of 1,555,106 alleles (0.00039%); highest among the groups gnomAD compares: South Asian, 0.0035%; no homozygotes.

Submission:

Labcorp Genetics (formerly Invitae), Labcorp
Classification: Uncertain significance for Progressive familial heart block type IB. Last evaluated: 2021-12-09. Review status: criteria provided, single submitter. Criteria: Invitae Variant Classification Sherloc (09022015). Collection method: clinical testing. Allele origin: germline.
Comment: In summary, the available evidence is currently insufficient to determine the role of this variant in disease. Therefore, it has been classified as a Variant of Uncertain Significance. Algorithms developed to predict the effect of missense changes on protein structure and function (SIFT, PolyPhen-2, Align-GVGD) all suggest that this variant is likely to be tolerated. This variant has not been reported in the literature in individuals affected with TRPM4-related conditions. The frequency data for this variant in the population databases is considered unreliable, as metrics indicate poor data quality at this position in the gnomAD database. This sequence change replaces proline, which is neutral and non-polar, with glutamine, which is neutral and polar, at codon 756 of the TRPM4 protein (p.Pro756Gln).